The following is an entry in ClinVar:

NM_006073.4(TRDN):c.1801C>G (p.Pro601Ala)

Gene: TRDN (triadin; minus strand). Cytogenetic location: 6q22.31.
Variant type: single nucleotide variant.
Coding change: c.1801C>G on transcript NM_006073.4 (MANE Select); coding-DNA position 1801, C replaced by G.
Protein change: p.Pro601Ala; replaces proline 601 with alanine.
Molecular consequence: missense variant.
Genome position (GRCh38, 1-based): chr6:123,265,321, G>C on the plus strand (C>G on the coding strand, the complement: TRDN is on the minus strand). VCF-style: chr6-123265321-G-C. GRCh37 (hg19) VCF-style: chr6-123586466-G-C.
Other names: short protein forms P601A.
Identifiers: ClinVar variation 229350 (VCV000229350.48), dbSNP rs376214235, ClinGen allele CA3983748.
Genomic context (GRCh38, chr6:123,265,321, plus strand): 5'-TGTGAAATTAAAACAATGAAATAGGACAATTTTAAAATTCTAAAATGGTACACTTACTTG[G>C]AGTTGGTTTTGGTTTGTCTAAAAAGGAAAAAAGAAAAAAAAAGAAAATGAGTGATAATTT-3'
Protein context (NP_006064.2, residues 591-611): SIKTDKPKPT[Pro601Ala]KGTSEVTESG

ClinVar aggregate classification (germline): Conflicting classifications of pathogenicity. Review status: criteria provided, conflicting classifications (1 of 4 stars). 6 submissions from 6 submitters: Uncertain significance (5); Likely benign (1). Last evaluated 2026-04-15.

Conditions:
Cardiovascular phenotype. Identifiers: MedGen CN230736.
Catecholaminergic polymorphic ventricular tachycardia 1. Also called: RYR2-Related Catecholaminergic Polymorphic Ventricular Tachycardia; VENTRICULAR TACHYCARDIA, STRESS-INDUCED POLYMORPHIC 1; VENTRICULAR TACHYCARDIA, CATECHOLAMINERGIC POLYMORPHIC, 1, WITH OR WITHOUT ATRIAL DYSFUNCTION AND/OR DILATED CARDIOMYOPATHY. Identifiers: Orphanet 3286, MedGen C1631597, MONDO:0011484, OMIM 604772.

Allele frequency attached by ClinVar (database versions not stated): gnomAD exomes 0.00004 and 0.00011; ExAC 0.00005; gnomAD 0.00007 and 0.00008; ESP Exome Variant Server 0.00009; TOPMed 0.00012.
gnomAD v4.1: 148 of 1,417,586 alleles (0.01%); highest among the groups gnomAD compares: Non-Finnish European, 0.013%; no homozygotes.

Submissions (6):

Ambry Genetics
Classification: Likely benign for Cardiovascular phenotype. Last evaluated: 2026-04-15. Review status: criteria provided, single submitter. Criteria: Ambry Variant Classification Scheme 2023. Collection method: clinical testing. Allele origin: germline.

CeGaT Center for Human Genetics Tuebingen
Classification: Uncertain significance. Last evaluated: 2023-10-01. Review status: criteria provided, single submitter. Criteria: CeGaT Center For Human Genetics Tuebingen Variant Classification Criteria Version 2. Collection method: clinical testing. Allele origin: germline. Affected: yes. Observed: 1 variant allele.
Comment: TRDN: PM2, BP4

Labcorp Genetics (formerly Invitae), Labcorp
Classification: Uncertain significance for Catecholaminergic polymorphic ventricular tachycardia 1. Last evaluated: 2022-10-05. Review status: criteria provided, single submitter. Criteria: Invitae Variant Classification Sherloc (09022015). Collection method: clinical testing. Allele origin: germline.
Comment: This sequence change replaces proline, which is neutral and non-polar, with alanine, which is neutral and non-polar, at codon 601 of the TRDN protein (p.Pro601Ala). This variant is present in population databases (rs376214235, gnomAD 0.006%). This variant has not been reported in the literature in individuals affected with TRDN-related conditions. ClinVar contains an entry for this variant (Variation ID: 229350). Advanced modeling of protein sequence and biophysical properties (such as structural, functional, and spatial information, amino acid conservation, physicochemical variation, residue mobility, and thermodynamic stability) performed at Invitae indicates that this missense variant is not expected to disrupt TRDN protein function. In summary, the available evidence is currently insufficient to determine the role of this variant in disease. Therefore, it has been classified as a Variant of Uncertain Significance.

Mayo Clinic Laboratories, Mayo Clinic
Classification: Uncertain significance. Last evaluated: 2020-02-12. Review status: criteria provided, single submitter. Criteria: ACMG Guidelines, 2015. Collection method: clinical testing. Allele origin: germline. Observed: 1 variant allele.

GeneDx
Classification: Uncertain significance. Last evaluated: 2018-11-01. Review status: criteria provided, single submitter. Criteria: GeneDx Variant Classification (06012015). Collection method: clinical testing. Allele origin: germline. Affected: yes.
Comment: A variant of uncertain significance has been identified in the TRDN gene. The P601A variant has not been published as pathogenic or been reported as benign to our knowledge. The P601A variant is not observed at a significant frequency in large population cohorts (Lek et al., 2016; 1000 Genomes Consortium et al., 2015; Exome Variant Server). The P601A variant is a semi-conservative amino acid substitution, which may impact secondary protein structure as these residues differ in some properties. However, this substitution occurs at a position that is not conserved and in silico analysis predicts this variant likely does not alter the protein structure/function.

Laboratory for Molecular Medicine, Mass General Brigham Personalized Medicine
Classification: Uncertain significance. Last evaluated: 2016-03-01. Review status: criteria provided, single submitter. Criteria: LMM Criteria. Collection method: clinical testing. Allele origin: germline. Observed: 1 variant allele.
Comment: The p.Pro601Ala variant in TRDN has not been previously reported in individuals with cardiomyopathy, but has been identified in 1/8918 European chromosomes by t he Exome Aggregation Consortium (ExAC; dbSNP rs3 76214235). Computational prediction tools and conservation analysis suggest that the p.Pro601Ala variant may not impact the protein, though this information is not predictive enough to rule out pathogenicity. In summary, the clinical signif icance of the p.Pro601Ala variant is uncertain.